The following is an entry in ClinVar:

NM_174936.4(PCSK9):c.1868C>G (p.Thr623Ser)

Gene: PCSK9 (proprotein convertase subtilisin/kexin type 9; plus strand). Cytogenetic location: 1p32.3.
Variant type: single nucleotide variant.
Coding change: c.1868C>G on transcript NM_174936.4 (MANE Select); coding-DNA position 1868, C replaced by G.
Protein change: p.Thr623Ser; replaces threonine 623 with serine.
Molecular consequence: missense variant. On other transcripts: non-coding transcript variant (8).
Genome position (GRCh38, 1-based): chr1:55,063,373, C>G. VCF-style: chr1-55063373-C-G. GRCh37 (hg19) VCF-style: chr1-55529046-C-G.
Other names: c.1991C>G, p.Thr664Ser (NM_001407240.1); c.1910C>G, p.Thr637Ser (NM_001407241.1); c.1871C>G, p.Thr624Ser (NM_001407242.1); c.1811C>G, p.Thr604Ser (NM_001407243.1); c.1694C>G, p.Thr565Ser (NM_001407244.1); c.1676C>G, p.Thr559Ser (NM_001407245.1); c.1493C>G, p.Thr498Ser (NM_001407246.1); c.1367C>G, p.Thr456Ser (NM_001407247.1); short protein forms T456S, T498S, T559S, T565S, T604S, T623S, T624S, T637S.
Identifiers: ClinVar variation 3071529 (VCV003071529.4), dbSNP rs192854667, ClinGen allele CA22768183.

ClinVar aggregate classification (germline): Uncertain significance. Review status: criteria provided, multiple submitters, no conflicts (2 of 4 stars). 5 submissions from 5 submitters: Uncertain significance (5). Last evaluated 2025-09-29.

Conditions:
Hypercholesterolemia, autosomal dominant, 3 (FHCL3). Also called: Familial Hypercholesterolemia, Autosomal Dominant, 3; PCSK9-Related Familial Hypercholesterolemia, Autosomal Dominant; Familial hypercholesterolemia 3. Identifiers: MedGen C1863551, MONDO:0011369, OMIM 603776.
Familial hypercholesterolemia. Also called: Familial hypercholesterolemias; Familial hypercholesterolaemia. Identifiers: MedGen C0020445, MONDO:0005439.
Cardiovascular phenotype. Identifiers: MedGen CN230736.

Allele frequency attached by ClinVar (database versions not stated): TOPMed below 0.00001; gnomAD exomes 0.00001.
gnomAD v4.1: 18 of 1,613,524 alleles (0.0011%); highest among the groups gnomAD compares: Non-Finnish European, 0.0015%; no homozygotes.

Submissions (5):

Color Diagnostics, LLC DBA Color Health
Classification: Uncertain significance for Familial hypercholesterolemia. Last evaluated: 2025-09-29. Review status: criteria provided, single submitter. Criteria: ACMG Guidelines, 2015. Collection method: clinical testing. Allele origin: germline.
Comment: This missense variant replaces threonine with serine at codon 623 of the PCSK9 protein. Computational prediction suggests that this variant may not impact protein structure and function. To our knowledge, functional studies have not been reported for this variant. This variant has not been reported in individuals affected with PCSK9-related disorders in the literature. This variant has been identified in 1/247554 chromosomes in the general population by the Genome Aggregation Database (gnomAD). The available evidence is insufficient to determine the role of this variant in disease conclusively. Therefore, this variant is classified as a Variant of Uncertain Significance.

GeneDx
Classification: Uncertain significance. Last evaluated: 2025-08-12. Review status: criteria provided, single submitter. Criteria: GeneDx Variant Classification Process June 2021. Collection method: clinical testing. Allele origin: germline. Affected: yes.
Comment: Not observed at significant frequency in large population cohorts (gnomAD); In silico analysis suggests that this missense variant does not alter protein structure/function; Has not been previously published as pathogenic or benign to our knowledge

Labcorp Genetics (formerly Invitae), Labcorp
Classification: Uncertain significance for Hypercholesterolemia, autosomal dominant, 3. Last evaluated: 2025-04-23. Review status: criteria provided, single submitter. Criteria: Invitae Variant Classification Sherloc (09022015). Collection method: clinical testing. Allele origin: germline.
Comment: This sequence change replaces threonine, which is neutral and polar, with serine, which is neutral and polar, at codon 623 of the PCSK9 protein (p.Thr623Ser). This variant is present in population databases (rs192854667, gnomAD 0.0009%). This variant has not been reported in the literature in individuals affected with PCSK9-related conditions. ClinVar contains an entry for this variant (Variation ID: 3071529). Invitae Evidence Modeling of protein sequence and biophysical properties (such as structural, functional, and spatial information, amino acid conservation, physicochemical variation, residue mobility, and thermodynamic stability) indicates that this missense variant is not expected to disrupt PCSK9 protein function with a negative predictive value of 95%. In summary, the available evidence is currently insufficient to determine the role of this variant in disease. Therefore, it has been classified as a Variant of Uncertain Significance.

Ambry Genetics
Classification: Uncertain significance for Cardiovascular phenotype. Last evaluated: 2024-04-26. Review status: criteria provided, single submitter. Criteria: Ambry Variant Classification Scheme 2023. Collection method: clinical testing. Allele origin: germline.
Comment: The p.T623S variant (also known as c.1868C>G), located in coding exon 12 of the PCSK9 gene, results from a C to G substitution at nucleotide position 1868. The threonine at codon 623 is replaced by serine, an amino acid with similar properties. This amino acid position is conserved. In addition, this alteration is predicted to be tolerated by in silico analysis. Based on the available evidence, the clinical significance of this variant remains unclear.

All of Us Research Program, National Institutes of Health
Classification: Uncertain significance for Hypercholesterolemia, autosomal dominant, 3. Last evaluated: 2023-06-08. Review status: criteria provided, single submitter. Criteria: ACMG Guidelines, 2015. Collection method: clinical testing. Allele origin: germline. Inheritance: Autosomal dominant inheritance. Observed: 1 variant allele, 1 heterozygote.
Comment: This missense variant replaces threonine with serine at codon 623 of the PCSK9 protein. Computational prediction suggests that this variant may not impact protein structure and function (internally defined REVEL score threshold <= 0.5, PMID: 27666373). To our knowledge, functional studies have not been reported for this variant. This variant has not been reported in individuals affected with PCSK9-related disorders in the literature. This variant has been identified in 1/247554 chromosomes in the general population by the Genome Aggregation Database (gnomAD). The available evidence is insufficient to determine the role of this variant in disease conclusively. Therefore, this variant is classified as a Variant of Uncertain Significance.

This study involves interpretation of variants in research participants for the purpose of population health screening. Participant phenotype was not available at the time of variant classification. Additional details can be found in publication PMID: 35346344, PMCID: PMC8962531